The following is an entry in ClinVar:

NM_001394062.1(MACF1):c.13083T>C (p.Ile4361=)

Gene: MACF1 (microtubule actin crosslinking factor 1; plus strand). Cytogenetic location: 1p34.3.
Variant type: single nucleotide variant.
Coding change: c.13083T>C on transcript NM_001394062.1 (MANE Select); coding-DNA position 13083, T replaced by C.
Protein change: p.Ile4361=; no amino-acid change (isoleucine 4361 retained).
Molecular consequence: synonymous variant.
Genome position (GRCh38, 1-based): chr1:39,370,174, T>C. VCF-style: chr1-39370174-T-C. GRCh37 (hg19) VCF-style: chr1-39835846-T-C.
Other names: c.6897T>C, p.Ile2299= (NM_012090.5).
Identifiers: ClinVar variation 1987032 (VCV001987032.6), dbSNP rs756706215, ClinGen allele CA781946.

ClinVar aggregate classification (germline): Likely benign. Review status: criteria provided, single submitter (1 of 4 stars). 2 submissions from 2 submitters: Likely benign (1). 1 of the submissions does not count toward it. Last evaluated 2024-10-22.

Conditions:
MACF1-related disorder. Also called: MACF1-related condition.

Allele frequency attached by ClinVar (database versions not stated): ExAC 0.00001; TOPMed 0.00001; gnomAD 0.00003.
gnomAD v4.1: 19 of 1,612,056 alleles (0.0012%); highest among the groups gnomAD compares: Non-Finnish European, 0.0015%; no homozygotes.

Submissions (2):

Labcorp Genetics (formerly Invitae), Labcorp
Classification: Likely benign. Last evaluated: 2024-10-22. Review status: criteria provided, single submitter. Criteria: Invitae Variant Classification Sherloc (09022015). Collection method: clinical testing. Allele origin: germline.

PreventionGenetics, part of Exact Sciences
Classification: Likely benign for MACF1-related condition. Last evaluated: 2022-02-07. Review status: no assertion criteria provided. Collection method: clinical testing. Allele origin: germline. Not counted in ClinVar's aggregate classification.
Comment: This variant is classified as likely benign based on ACMG/AMP sequence variant interpretation guidelines (Richards et al. 2015 PMID: 25741868, with internal and published modifications).